The following is an entry in ClinVar:

NM_032588.4(TRIM63):c.135G>A (p.Arg45=)

Gene: TRIM63 (tripartite motif containing 63; minus strand). Cytogenetic location: 1p36.11.
Variant type: single nucleotide variant.
Coding change: c.135G>A on transcript NM_032588.4 (MANE Select); coding-DNA position 135, G replaced by A.
Protein change: p.Arg45=; no amino-acid change (arginine 45 retained).
Molecular consequence: synonymous variant.
Genome position (GRCh38, 1-based): chr1:26,067,360, C>T on the plus strand (G>A on the coding strand, the complement: TRIM63 is on the minus strand). VCF-style: chr1-26067360-C-T. GRCh37 (hg19) VCF-style: chr1-26393851-C-T.
Identifiers: ClinVar variation 3907068 (VCV003907068.1).

ClinVar aggregate classification (germline): Likely benign (1 of 4 stars; one submission).

gnomAD v4.1: 4 of 1,614,046 alleles (0.00025%); highest among the groups gnomAD compares: African/African-American, 0.0053%; no homozygotes.

Submission:

Women's Health and Genetics/Laboratory Corporation of America, LabCorp
Classification: Likely benign. Last evaluated: 2025-06-17. Review status: criteria provided, single submitter. Criteria: LabCorp Variant Classification Summary - May 2015. Collection method: clinical testing. Allele origin: germline.
Comment: Variant summary: TRIM63 c.135G>A alters a conserved nucleotide resulting in a synonymous change. Consensus agreement among computation tools predict no significant impact on normal splicing. However, these predictions have yet to be confirmed by functional studies. The variant allele was found at a frequency of 4e-06 in 251088 control chromosomes. The available data on variant occurrences in the general population are insufficient to allow any conclusion about variant significance. To our knowledge, no occurrence of c.135G>A in individuals affected with Hypertrophic Cardiomyopathy, Autosomal Recessive and no experimental evidence demonstrating its impact on protein function have been reported. No submitters have cited clinical-significance assessments for this variant to ClinVar. Based on the evidence outlined above, the variant was classified as likely benign.